The following is an entry in ClinVar:

NM_007286.6(SYNPO):c.272C>T (p.Pro91Leu)

Gene: SYNPO (synaptopodin; plus strand). Cytogenetic location: 5q33.1.
Variant type: single nucleotide variant.
Coding change: c.272C>T on transcript NM_007286.6 (MANE Select); coding-DNA position 272, C replaced by T.
Protein change: p.Pro91Leu; replaces proline 91 with leucine.
Molecular consequence: missense variant.
Genome position (GRCh38, 1-based): chr5:150,648,547, C>T. VCF-style: chr5-150648547-C-T. GRCh37 (hg19) VCF-style: chr5-150028109-C-T.
Other names: c.1004C>T (NM_001166208.1); c.272C>T, p.Pro91Leu (NM_001109974.3); c.1004C>T, p.Pro335Leu (NM_001166208.2, NM_001166209.2); short protein forms P335L, P91L.
Identifiers: ClinVar variation 1972031 (VCV001972031.7), dbSNP rs201288895, ClinGen allele CA3513190.
Genomic context (GRCh38, chr5:150,648,547, plus strand): 5'-AAAACCTTGCCTCGCCCAGTGCCACGCTCACCACACCAACTTCTAACAGCAGCCACAATC[C>T]GCCAGCCACCGATGTCAATCAGAACCCACCGGCAACTGTTGTCCCACAGAGCCTGCCACT-3'
Protein context (NP_009217.3, residues 81-101): TTPTSNSSHN[Pro91Leu]PATDVNQNPP

ClinVar aggregate classification (germline): Conflicting classifications of pathogenicity. Review status: criteria provided, conflicting classifications (1 of 4 stars). 2 submissions from 2 submitters: Uncertain significance (1); Likely benign (1). Last evaluated 2025-01-23.

Allele frequency attached by ClinVar (database versions not stated): gnomAD 0.00005; ExAC 0.00006; TOPMed 0.00007; ESP Exome Variant Server 0.00015.

Submissions (2):

Labcorp Genetics (formerly Invitae), Labcorp
Classification: Uncertain significance. Last evaluated: 2025-01-23. Review status: criteria provided, single submitter. Criteria: Invitae Variant Classification Sherloc (09022015). Collection method: clinical testing. Allele origin: germline.
Comment: This sequence change replaces proline, which is neutral and non-polar, with leucine, which is neutral and non-polar, at codon 91 of the SYNPO protein (p.Pro91Leu). This variant is present in population databases (rs201288895, gnomAD 0.03%). This variant has not been reported in the literature in individuals affected with SYNPO-related conditions. ClinVar contains an entry for this variant (Variation ID: 1972031). An algorithm developed to predict the effect of missense changes on protein structure and function outputs the following: PolyPhen-2: "Benign". The leucine amino acid residue is found in multiple mammalian species, which suggests that this missense change does not adversely affect protein function. In summary, the available evidence is currently insufficient to determine the role of this variant in disease. Therefore, it has been classified as a Variant of Uncertain Significance.

Ambry Genetics
Classification: Likely benign. Last evaluated: 2023-02-14. Review status: criteria provided, single submitter. Criteria: Ambry Variant Classification Scheme 2023. Collection method: clinical testing. Allele origin: germline.